The following is an entry in ClinVar:

ClinVar aggregate classification (germline): Uncertain significance (1 of 4 stars; one submission).

Conditions:
Neuropathy, hereditary sensory and autonomic, type 2A (HSAN2A). Also called: WNK1-Related HSAN2 (HSAN2A); ACROOSTEOLYSIS, GIACCAI TYPE; ACROOSTEOLYSIS, NEUROGENIC; HSAN IIA; MORVAN DISEASE; NEUROPATHY, CONGENITAL SENSORY. Identifiers: Orphanet 970, MedGen C2752089, MONDO:0024309, OMIM 201300.
Pseudohypoaldosteronism type 2C (PHA2C). Also called: Pseudohypoaldosteronism Type IIC. Identifiers: Orphanet 757, Orphanet 88940, MedGen C1840391, MONDO:0013778, OMIM 614492.

Allele frequency attached by ClinVar (database versions not stated): gnomAD exomes below 0.00001.
gnomAD v4.1: 1 of 1,614,224 alleles (0.000062%); highest among the groups gnomAD compares: Non-Finnish European, 0.000085%; no homozygotes.

Submission:

Labcorp Genetics (formerly Invitae), Labcorp
Classification: Uncertain significance for Neuropathy, hereditary sensory and autonomic, type 2A; Pseudohypoaldosteronism type 2C. Last evaluated: 2018-09-10. Review status: criteria provided, single submitter. Criteria: Invitae Variant Classification Sherloc (09022015). Collection method: clinical testing. Allele origin: germline.
Comment: In summary, the available evidence is currently insufficient to determine the role of this variant in disease. Therefore, it has been classified as a Variant of Uncertain Significance. Algorithms developed to predict the effect of missense changes on protein structure and function (SIFT, PolyPhen-2, Align-GVGD) all suggest that this variant is likely to be disruptive, but these predictions have not been confirmed by published functional studies and their clinical significance is uncertain. This variant has not been reported in the literature in individuals with WNK1-related disease. This variant is not present in population databases (ExAC no frequency). This sequence change replaces cysteine with arginine at codon 2321 of the WNK1 protein (p.Cys2321Arg). The cysteine residue is highly conserved and there is a large physicochemical difference between cysteine and arginine.

NM_018979.4(WNK1):c.6961T>C (p.Cys2321Arg)

Gene: WNK1 (WNK lysine deficient protein kinase 1; plus strand). Cytogenetic location: 12p13.33.
Variant type: single nucleotide variant.
Coding change: c.6961T>C on transcript NM_018979.4 (MANE Select); coding-DNA position 6961, T replaced by C.
Protein change: p.Cys2321Arg; replaces cysteine 2321 with arginine.
Molecular consequence: missense variant.
Genome position (GRCh38, 1-based): chr12:908,604, T>C. VCF-style: chr12-908604-T-C. GRCh37 (hg19) VCF-style: chr12-1017770-T-C.
Other names: c.7741T>C, p.Cys2581Arg (NM_001184985.2); c.6217T>C, p.Cys2073Arg (NM_014823.3); c.7717T>C, p.Cys2573Arg (NM_213655.5); short protein forms C2073R, C2581R, C2321R, C2573R.
Identifiers: ClinVar variation 642715 (VCV000642715.8), dbSNP rs1592281849, ClinGen allele CA383341013.